The following is an entry in ClinVar:

ClinVar aggregate classification (germline): Uncertain significance (1 of 4 stars; one submission).

Conditions:
Atrioventricular septal defect, susceptibility to, 2. Identifiers: MedGen C1853508, MONDO:0011650, OMIM 606217.

gnomAD v4.1: 1 of 1,613,182 alleles (0.000062%); highest among the groups gnomAD compares: East Asian, 0.0022%; no homozygotes.

Submission:

Labcorp Genetics (formerly Invitae), Labcorp
Classification: Uncertain significance for Atrioventricular septal defect, susceptibility to, 2. Last evaluated: 2025-01-10. Review status: criteria provided, single submitter. Criteria: Invitae Variant Classification Sherloc (09022015). Collection method: clinical testing. Allele origin: germline.
Comment: This sequence change falls in intron 8 of the CRELD1 gene. It does not directly change the encoded amino acid sequence of the CRELD1 protein. It affects a nucleotide within the consensus splice site. This variant is present in population databases (rs758924488, gnomAD 0.006%). This variant has not been reported in the literature in individuals affected with CRELD1-related conditions. Variants that disrupt the consensus splice site are a relatively common cause of aberrant splicing (PMID: 17576681, 9536098). Algorithms developed to predict the effect of sequence changes on RNA splicing suggest that this variant is not likely to affect RNA splicing. In summary, the available evidence is currently insufficient to determine the role of this variant in disease. Therefore, it has been classified as a Variant of Uncertain Significance.

Literature cited by the submitters: PubMed 17576681; PubMed 9536098.

NM_001077415.3(CRELD1):c.817+4A>G

Gene: CRELD1 (CRELD disulfide isomerase 1; plus strand). Cytogenetic location: 3p25.3.
Variant type: single nucleotide variant.
Coding change: c.817+4A>G on transcript NM_001077415.3 (MANE Select); 4 bases into the intron after coding-DNA position 817, A replaced by G.
Molecular consequence: intron variant.
Genome position (GRCh38, 1-based): chr3:9,942,900, A>G. VCF-style: chr3-9942900-A-G. GRCh37 (hg19) VCF-style: chr3-9984584-A-G.
Other names: c.817+4A>G (NM_001374317.1, NM_001031717.4, NM_001410713.1 and 3 more transcripts); c.734-177A>G (NM_001374319.1, NM_001374320.1).
Identifiers: ClinVar variation 3631785 (VCV003631785.2).
Genomic context (GRCh38, chr3:9,942,900, plus strand): 5'-CCAACTGTGGAGCTGACCAATTCTGCGTGAACACTGAGGGCTCCTATGAGTGCCGAGGTC[A>G]GTGTCTACTTCTGCAGAGGAGGGGACGTGAGGAGTGGAGGAAGAGCTGCTCCACACCTGT-3'